The following is an entry in ClinVar:

NM_002476.2(MYL4):c.-9C>T

Gene: MYL4 (myosin light chain 4; plus strand). Cytogenetic location: 17q21.32.
Variant type: single nucleotide variant.
Coding change: c.-9C>T on transcript NM_002476.2 (MANE Select); 9 bases upstream of the start codon, C replaced by T.
Molecular consequence: 5 prime UTR variant.
Genome position (GRCh38, 1-based): chr17:47,209,414, C>T. VCF-style: chr17-47209414-C-T. GRCh37 (hg19) VCF-style: chr17-45286780-C-T.
Other names: c.-9C>T (NM_001002841.1, NM_001002841.2).
Identifiers: ClinVar variation 4935722 (VCV004935722.2).

ClinVar aggregate classification (germline): Likely benign. Review status: criteria provided, multiple submitters, no conflicts (2 of 4 stars). 2 submissions from 2 submitters: Likely benign (2). Last evaluated 2025-02-10.

Conditions:
MYL4-related disorder. Also called: MYL4-related condition.

gnomAD v4.1: 165 of 1,614,226 alleles (0.01%); highest among the groups gnomAD compares: African/African-American, 0.19%; 2 homozygotes.

Submissions (2):

PreventionGenetics, part of Exact Sciences
Classification: Likely benign for MYL4-related condition. Last evaluated: 2025-02-10. Review status: criteria provided, single submitter. Criteria: ACMG Guidelines, 2015. Collection method: clinical testing. Allele origin: germline.
Comment: This variant is classified as likely benign based on ACMG/AMP sequence variant interpretation guidelines (Richards et al. 2015 PMID: 25741868, with internal and published modifications).

Blueprint Genetics
Classification: Likely benign. Last evaluated: 2024-11-06. Review status: criteria provided, single submitter. Criteria: ACMG Guidelines, 2015. Collection method: clinical testing. Allele origin: germline.